The following is an entry in ClinVar:

ClinVar aggregate classification (germline): Uncertain significance. Review status: criteria provided, multiple submitters, no conflicts (2 of 4 stars). 2 submissions from 2 submitters: Uncertain significance (2). Last evaluated 2025-09-04.

Conditions:
Hereditary cancer-predisposing syndrome. Also called: Tumor predisposition; Hereditary neoplastic syndrome; Hereditary Cancer Syndrome; Neoplastic Syndromes, Hereditary. Identifiers: Orphanet 140162, MedGen C0027672, MeSH D009386, MONDO:0015356.
Rhabdoid tumor predisposition syndrome 2 (RTPS2). Identifiers: Orphanet 231108, Orphanet 69077, MedGen C2750074, MONDO:0013224, OMIM 613325.

Allele frequency attached by ClinVar (database versions not stated): gnomAD exomes below 0.00001; gnomAD 0.00001.
gnomAD v4.1: 3 of 1,612,352 alleles (0.00019%); highest among the groups gnomAD compares: Middle Eastern, 0.017%; no homozygotes.

Submissions (2):

Ambry Genetics
Classification: Uncertain significance for Hereditary cancer-predisposing syndrome. Last evaluated: 2025-09-04. Review status: criteria provided, single submitter. Criteria: Ambry Variant Classification Scheme 2023. Collection method: clinical testing. Allele origin: germline.
Comment: The p.A1352T variant (also known as c.4054G>A), located in coding exon 28 of the SMARCA4 gene, results from a G to A substitution at nucleotide position 4054. The alanine at codon 1352 is replaced by threonine, an amino acid with similar properties. This amino acid position is highly conserved in available vertebrate species. In addition, the in silico prediction for this alteration is inconclusive. Based on the available evidence, the clinical significance of this variant remains unclear.

Labcorp Genetics (formerly Invitae), Labcorp
Classification: Uncertain significance for Rhabdoid tumor predisposition syndrome 2. Last evaluated: 2025-04-07. Review status: criteria provided, single submitter. Criteria: Invitae Variant Classification Sherloc (09022015). Collection method: clinical testing. Allele origin: germline.
Comment: This sequence change replaces alanine, which is neutral and non-polar, with threonine, which is neutral and polar, at codon 1352 of the SMARCA4 protein (p.Ala1352Thr). The frequency data for this variant in the population databases is considered unreliable, as metrics indicate poor data quality at this position in the gnomAD database. This variant has not been reported in the literature in individuals affected with SMARCA4-related conditions. ClinVar contains an entry for this variant (Variation ID: 961467). Invitae Evidence Modeling of protein sequence and biophysical properties (such as structural, functional, and spatial information, amino acid conservation, physicochemical variation, residue mobility, and thermodynamic stability) has been performed for this missense variant. However, the output from this modeling did not meet the statistical confidence thresholds required to predict the impact of this variant on SMARCA4 protein function. In summary, the available evidence is currently insufficient to determine the role of this variant in disease. Therefore, it has been classified as a Variant of Uncertain Significance.

NM_003072.5(SMARCA4):c.4054G>A (p.Ala1352Thr)

Gene: SMARCA4 (SWI/SNF related BAF chromatin remodeling complex subunit ATPase 4; plus strand). Cytogenetic location: 19p13.2.
Variant type: single nucleotide variant.
Coding change: c.4054G>A on transcript NM_003072.5 (MANE Select); coding-DNA position 4054, G replaced by A.
Protein change: p.Ala1352Thr; replaces alanine 1352 with threonine.
Molecular consequence: missense variant. On other transcripts: non-coding transcript variant (1).
Genome position (GRCh38, 1-based): chr19:11,035,016, G>A. VCF-style: chr19-11035016-G-A. GRCh37 (hg19) VCF-style: chr19-11145692-G-A.
Other names: c.4054G>A, p.Ala1352Thr (NM_001128844.3, NM_001128849.3); c.3955G>A, p.Ala1319Thr (NM_001128845.2, NM_001128846.2, NM_001128847.4 and 2 more transcripts); short protein forms A1319T, A1352T.
Identifiers: ClinVar variation 961467 (VCV000961467.13), dbSNP rs1228120902, ClinGen allele CA404068212.